The following is an entry in ClinVar:

NM_001854.4(COL11A1):c.3655-1G>C

Gene: COL11A1 (collagen type XI alpha 1 chain; minus strand). Cytogenetic location: 1p21.1.
Variant type: single nucleotide variant.
Coding change: c.3655-1G>C on transcript NM_001854.4 (MANE Select); the canonical splice acceptor site of the intron before coding-DNA position 3655, G replaced by C.
Molecular consequence: splice acceptor variant.
Genome position (GRCh38, 1-based): chr1:102,921,572, C>G on the plus strand (G>C on the coding strand, the complement: COL11A1 is on the minus strand). VCF-style: chr1-102921572-C-G. GRCh37 (hg19) VCF-style: chr1-103387128-C-G.
Other names: c.3538-1G>C (NM_001190709.2); c.3691-1G>C (NM_080629.3); c.3307-1G>C (NM_080630.4).
Identifiers: ClinVar variation 1690495 (VCV001690495.2), dbSNP rs2101074856, ClinGen allele CA341164423.

ClinVar aggregate classification (germline): Likely pathogenic (1 of 4 stars; one submission).

Submission:

Laboratorio de Genetica e Diagnostico Molecular, Hospital Israelita Albert Einstein
Classification: Likely pathogenic. Last evaluated: 2021-11-18. Review status: criteria provided, single submitter. Criteria: ACMG Guidelines, 2015. Collection method: clinical testing. Allele origin: germline. Affected: yes.
Comment: ACMG classification criteria: PVS1, PM2